The following is an entry in ClinVar:

ClinVar aggregate classification (germline): Likely benign. Review status: criteria provided, multiple submitters, no conflicts (2 of 4 stars). 3 submissions from 3 submitters: Likely benign (2). 1 of the submissions does not count toward it. Last evaluated 2026-05-27.

Conditions:
EVC2-related disorder. Also called: EVC2-related condition.
Ellis-van Creveld syndrome (EVC). Also called: Chondroectodermal dysplasia; MESOECTODERMAL DYSPLASIA. Identifiers: Orphanet 289, MedGen C0013903, MONDO:0009162, OMIM 225500.
Curry-Hall syndrome (WAD). Also called: WEYERS ACRODENTAL DYSOSTOSIS. Identifiers: Orphanet 952, MedGen C0457013, MONDO:0008673, OMIM 193530.

Allele frequency attached by ClinVar (database versions not stated): gnomAD 0.00002; gnomAD exomes 0.00009; ExAC 0.00013; 1000 Genomes Project 30x 0.00016; 1000 Genomes Project 0.00020.
gnomAD v4.1: 52 of 1,613,690 alleles (0.0032%); highest among the groups gnomAD compares: South Asian, 0.057%; no homozygotes.

Submissions (3):

Women's Health and Genetics/Laboratory Corporation of America, LabCorp
Classification: Likely benign. Last evaluated: 2026-05-27. Review status: criteria provided, single submitter. Criteria: LabCorp Variant Classification Summary - May 2015. Collection method: clinical testing. Allele origin: germline.

Labcorp Genetics (formerly Invitae), Labcorp
Classification: Likely benign for Curry-Hall syndrome; Ellis-van Creveld syndrome. Last evaluated: 2025-10-29. Review status: criteria provided, single submitter. Criteria: Invitae Variant Classification Sherloc (09022015). Collection method: clinical testing. Allele origin: germline.

PreventionGenetics, part of Exact Sciences
Classification: Likely benign for EVC2-related condition. Last evaluated: 2023-12-14. Review status: no assertion criteria provided. Collection method: clinical testing. Allele origin: germline. Not counted in ClinVar's aggregate classification.
Comment: This variant is classified as likely benign based on ACMG/AMP sequence variant interpretation guidelines (Richards et al. 2015 PMID: 25741868, with internal and published modifications).

NM_147127.5(EVC2):c.3558-6C>T

Gene: EVC2 (EvC ciliary complex subunit 2; minus strand). Cytogenetic location: 4p16.2.
Variant type: single nucleotide variant.
Coding change: c.3558-6C>T on transcript NM_147127.5 (MANE Select); 6 bases into the intron before coding-DNA position 3558, C replaced by T.
Molecular consequence: intron variant.
Genome position (GRCh38, 1-based): chr4:5,565,365, G>A on the plus strand (C>T on the coding strand, the complement: EVC2 is on the minus strand). VCF-style: chr4-5565365-G-A. GRCh37 (hg19) VCF-style: chr4-5567092-G-A.
Other names: c.3318-6C>T (NM_001166136.2).
Identifiers: ClinVar variation 793096 (VCV000793096.15), dbSNP rs527866261, ClinGen allele CA2834257.